The following is an entry in ClinVar:

NM_003106.4(SOX2):c.738C>A (p.Ser246=)

Genes: SOX2-OT (SOX2 overlapping transcript; plus strand), SOX2 (SRY-box transcription factor 2; plus strand). Cytogenetic location: 3q26.33.
Variant type: single nucleotide variant.
Coding change: c.738C>A on transcript NM_003106.4 (MANE Select); coding-DNA position 738, C replaced by A.
Protein change: p.Ser246=; no amino-acid change (serine 246 retained).
Molecular consequence: synonymous variant.
Genome position (GRCh38, 1-based): chr3:181,713,098, C>A. VCF-style: chr3-181713098-C-A. GRCh37 (hg19) VCF-style: chr3-181430886-C-A.
Identifiers: ClinVar variation 4770977 (VCV004770977.1).

ClinVar aggregate classification (germline): Uncertain significance (1 of 4 stars; one submission).

Conditions:
Anophthalmia/microphthalmia-esophageal atresia syndrome (MCOPS3). Also called: AEG SYNDROME; SOX2 Disorder; MICROPHTHALMIA AND ESOPHAGEAL ATRESIA SYNDROME. Identifiers: Orphanet 77298, MedGen C1859773, MONDO:0008799, OMIM 206900.

Submission:

Labcorp Genetics (formerly Invitae), Labcorp
Classification: Uncertain significance for Anophthalmia/microphthalmia-esophageal atresia syndrome. Last evaluated: 2026-01-20. Review status: criteria provided, single submitter. Criteria: Invitae Variant Classification Sherloc (09022015). Collection method: clinical testing. Allele origin: germline.
Comment: This sequence change affects codon 246 of the SOX2 mRNA. It is a 'silent' change, meaning that it does not change the encoded amino acid sequence of the SOX2 protein. This variant is not present in population databases (gnomAD no frequency). This variant has not been reported in the literature in individuals affected with SOX2-related conditions. In summary, the available evidence is currently insufficient to determine the role of this variant in disease. Therefore, it has been classified as a Variant of Uncertain Significance.